The following is an entry in ClinVar:

NM_000407.5(GP1BB):c.421T>C (p.Cys141Arg)

Genes: GP1BB (glycoprotein Ib platelet subunit beta; plus strand), SEPT5-GP1BB (SEPT5-GP1BB readthrough; plus strand). Cytogenetic location: 22q11.21.
Variant type: single nucleotide variant.
Coding change: c.421T>C on transcript NM_000407.5 (MANE Select); coding-DNA position 421, T replaced by C.
Protein change: p.Cys141Arg; replaces cysteine 141 with arginine.
Molecular consequence: missense variant. On other transcripts: non-coding transcript variant (2).
Genome position (GRCh38, 1-based): chr22:19,724,264, T>C. VCF-style: chr22-19724264-T-C. GRCh37 (hg19) VCF-style: chr22-19711787-T-C.
Other names: short protein forms C141R.
Identifiers: ClinVar variation 4848182 (VCV004848182.1).

ClinVar aggregate classification (germline): Uncertain significance (1 of 4 stars; one submission).

gnomAD v4.1: 5 of 1,250,110 alleles (0.0004%); highest among the groups gnomAD compares: Non-Finnish European, 0.0005%; no homozygotes.

Submission:

Women's Health and Genetics/Laboratory Corporation of America, LabCorp
Classification: Uncertain significance. Last evaluated: 2026-02-27. Review status: criteria provided, single submitter. Criteria: LabCorp Variant Classification Summary - May 2015. Collection method: clinical testing. Allele origin: germline.
Comment: Variant summary: GP1BB c.421T>C (p.Cys141Arg) results in a non-conservative amino acid change in the encoded protein sequence. Algorithms developed to predict the effect of missense changes on protein structure and function all suggest that this variant is likely to be disruptive. The frequency data for this variant in gnomAD is considered unreliable, as metrics indicate poor data quality at this position. To our knowledge, no occurrence of c.421T>C in individuals affected with GP1BB-related conditions and no experimental evidence demonstrating its impact on protein function have been reported. No submitters have cited clinical-significance assessments for this variant to ClinVar. Based on the evidence outlined above, the variant was classified as uncertain significance.